The following is an entry in ClinVar:

NM_001849.4(COL6A2):c.2292C>T (p.His764=)

Gene: COL6A2 (collagen type VI alpha 2 chain; plus strand). Cytogenetic location: 21q22.3.
Variant type: single nucleotide variant.
Coding change: c.2292C>T on transcript NM_001849.4 (MANE Select); coding-DNA position 2292, C replaced by T.
Protein change: p.His764=; no amino-acid change (histidine 764 retained).
Molecular consequence: synonymous variant.
Genome position (GRCh38, 1-based): chr21:46,126,107, C>T. VCF-style: chr21-46126107-C-T. GRCh37 (hg19) VCF-style: chr21-47546021-C-T.
Other names: c.2292C>T, p.His764= (NM_058174.3, NM_058175.3).
Identifiers: ClinVar variation 3052666 (VCV003052666.4), dbSNP rs752888936, ClinGen allele CA10072505.

ClinVar aggregate classification (germline): Likely benign. Review status: criteria provided, single submitter (1 of 4 stars). 2 submissions from 2 submitters: Likely benign (1). 1 of the submissions does not count toward it. Last evaluated 2025-01-08.

Conditions:
COL6A2-related disorder.
Bethlem myopathy 1A. Also called: MYOPATHY, BENIGN CONGENITAL, WITH CONTRACTURES; Bethlem myopathy 1; Bethlem Muscular Dystrophy. Identifiers: Orphanet 610, MedGen CN029274, MONDO:0024530, OMIM 158810.

Allele frequency attached by ClinVar (database versions not stated): gnomAD 0.00001; TOPMed 0.00001.
gnomAD v4.1: 30 of 1,612,528 alleles (0.0019%); highest among the groups gnomAD compares: East Asian, 0.011%; no homozygotes.

Submissions (2):

Labcorp Genetics (formerly Invitae), Labcorp
Classification: Likely benign for Bethlem myopathy 1A. Last evaluated: 2025-01-08. Review status: criteria provided, single submitter. Criteria: Invitae Variant Classification Sherloc (09022015). Collection method: clinical testing. Allele origin: germline.

PreventionGenetics, part of Exact Sciences
Classification: Likely benign for COL6A2-related condition. Last evaluated: 2023-01-12. Review status: no assertion criteria provided. Collection method: clinical testing. Allele origin: germline. Not counted in ClinVar's aggregate classification.
Comment: This variant is classified as likely benign based on ACMG/AMP sequence variant interpretation guidelines (Richards et al. 2015 PMID: 25741868, with internal and published modifications).